The following is an entry in ClinVar:

NM_021814.5(ELOVL5):c.167A>G (p.Lys56Arg)

Gene: ELOVL5 (ELOVL fatty acid elongase 5; minus strand). Cytogenetic location: 6p12.1.
Variant type: single nucleotide variant.
Coding change: c.167A>G on transcript NM_021814.5 (MANE Select); coding-DNA position 167, A replaced by G.
Protein change: p.Lys56Arg; replaces lysine 56 with arginine.
Molecular consequence: missense variant.
Genome position (GRCh38, 1-based): chr6:53,291,855, T>C on the plus strand (A>G on the coding strand, the complement: ELOVL5 is on the minus strand). VCF-style: chr6-53291855-T-C. GRCh37 (hg19) VCF-style: chr6-53156653-T-C.
Other names: c.167A>G, p.Lys56Arg (NM_001242828.2, NM_001242830.2, NM_001301856.2); short protein forms K56R.
Identifiers: ClinVar variation 4797621 (VCV004797621.1).

ClinVar aggregate classification (germline): Uncertain significance (1 of 4 stars; one submission).

Submission:

Labcorp Genetics (formerly Invitae), Labcorp
Classification: Uncertain significance. Last evaluated: 2025-09-27. Review status: criteria provided, single submitter. Criteria: Invitae Variant Classification Sherloc (09022015). Collection method: clinical testing. Allele origin: germline.
Comment: This sequence change replaces lysine, which is basic and polar, with arginine, which is basic and polar, at codon 56 of the ELOVL5 protein (p.Lys56Arg). This variant is not present in population databases (gnomAD no frequency). This variant has not been reported in the literature in individuals affected with ELOVL5-related conditions. Invitae Evidence Modeling of protein sequence and biophysical properties (such as structural, functional, and spatial information, amino acid conservation, physicochemical variation, residue mobility, and thermodynamic stability) indicates that this missense variant is not expected to disrupt ELOVL5 protein function with a negative predictive value of 80%. In summary, the available evidence is currently insufficient to determine the role of this variant in disease. Therefore, it has been classified as a Variant of Uncertain Significance.